The following is an entry in ClinVar:

NM_006204.4(PDE6C):c.2096A>C (p.Glu699Ala)

Gene: PDE6C (phosphodiesterase 6C; plus strand). Cytogenetic location: 10q23.33.
Variant type: single nucleotide variant.
Coding change: c.2096A>C on transcript NM_006204.4 (MANE Select); coding-DNA position 2096, A replaced by C.
Protein change: p.Glu699Ala; replaces glutamic acid 699 with alanine.
Molecular consequence: missense variant.
Genome position (GRCh38, 1-based): chr10:93,658,960, A>C. VCF-style: chr10-93658960-A-C. GRCh37 (hg19) VCF-style: chr10-95418717-A-C.
Other names: short protein forms E699A.
Identifiers: ClinVar variation 301637 (VCV000301637.16), dbSNP rs12261131, ClinGen allele CA5610398.
Genomic context (GRCh38, chr10:93,658,960, plus strand): 5'-GGAAGAGGACCATGTTTCAAAAAATTGTTGATGCCTGTGAACAAATGCAAACGGAAGAAG[A>C]AGCCATCAAATATGTAACTGTTGATCCAACCAAGAAAGAGATTATCATGTAGGTAGTTGA-3'
Protein context (NP_006195.3, residues 689-709): DACEQMQTEE[Glu699Ala]AIKYVTVDPT

ClinVar aggregate classification (germline): Benign/Likely benign. Review status: criteria provided, multiple submitters, no conflicts (2 of 4 stars). 4 submissions from 3 submitters: Benign (1); Likely benign (3). Last evaluated 2026-02-01.

Conditions:
Cone dystrophy 4 (COD4). Identifiers: Orphanet 49382, MedGen C2751308, MONDO:0013129, OMIM 613093.
Achromatopsia. Also called: Rod monochromatism. Identifiers: Orphanet 49382, MedGen C0152200, MONDO:0018852, HP:0011516.

Allele frequency attached by ClinVar (database versions not stated): gnomAD exomes 0.00223 and 0.00571; ExAC 0.00671; gnomAD 0.02012 and 0.02167; 1000 Genomes Project 0.02137; ESP Exome Variant Server 0.02322; TOPMed 0.02341; 1000 Genomes Project 30x 0.02420.
gnomAD v4.1: 6,409 of 1,613,116 alleles (0.4%); highest among the groups gnomAD compares: African/African-American, 7.1%; 204 homozygotes.

Submissions (4):

Labcorp Genetics (formerly Invitae), Labcorp
Classification: Benign. Last evaluated: 2026-02-01. Review status: criteria provided, single submitter. Criteria: Invitae Variant Classification Sherloc (09022015). Collection method: clinical testing. Allele origin: germline.

Illumina Laboratory Services, Illumina
Classification: Likely benign for Achromatopsia. Last evaluated: 2017-04-27. Review status: criteria provided, single submitter. Criteria: ICSL Variant Classification Criteria 13 December 2019. Collection method: clinical testing. Allele origin: germline.
Comment: This variant was observed as part of a predisposition screen in an ostensibly healthy population. A literature search was performed for the gene, cDNA change, and amino acid change (where applicable). Publications were found based on this search. The evidence from the literature, in combination with allele frequency data from public databases where available, was sufficient to determine this variant is unlikely to cause disease. Therefore, this variant is classified as likely benign.

Illumina Laboratory Services, Illumina
Classification: Likely benign for Cone dystrophy 4. Last evaluated: 2017-04-27. Review status: criteria provided, single submitter. Criteria: ICSL Variant Classification Criteria 13 December 2019. Collection method: clinical testing. Allele origin: germline.
Comment: the same text as in the submission from Illumina Laboratory Services, Illumina above.

Breakthrough Genomics
Classification: Likely benign. Review status: criteria provided, single submitter. Criteria: ACMG Guidelines, 2015. Collection method: not provided. Allele origin: germline. Inheritance: Autosomal recessive inheritance. Affected: yes.

Literature cited by the submitters: PubMed 19615668 (cited by Illumina Laboratory Services, Illumina).